The following is an entry in ClinVar:

NM_001044.5(SLC6A3):c.625G>A (p.Gly209Arg)

Gene: SLC6A3 (solute carrier family 6 member 3). Cytogenetic location: 5p15.33.
Variant type: single nucleotide variant.
Coding change: c.625G>A on transcript NM_001044.5 (MANE Select); coding-DNA position 625, G replaced by A.
Protein change: p.Gly209Arg; replaces glycine 209 with arginine.
Molecular consequence: missense variant.
Genome position (GRCh38, 1-based): chr5:1,432,492, C>T on the plus strand (G>A on the coding strand, the complement: SLC6A3 is on the minus strand). VCF-style: chr5-1432492-C-T. GRCh37 (hg19) VCF-style: chr5-1432607-C-T.
Other names: short protein forms G209R.
Identifiers: ClinVar variation 1056961 (VCV001056961.8), dbSNP rs372788698, ClinGen allele CA3186327.

ClinVar aggregate classification (germline): Uncertain significance (1 of 4 stars; one submission).

Conditions:
Parkinsonism-dystonia, infantile. Identifiers: Orphanet 238455, MedGen C2751067, MONDO:0013150.

Allele frequency attached by ClinVar (database versions not stated): TOPMed below 0.00001; gnomAD 0.00001; ESP Exome Variant Server 0.00008.
gnomAD v4.1: 20 of 1,614,060 alleles (0.0012%); highest among the groups gnomAD compares: East Asian, 0.0089%; no homozygotes.

Submission:

Labcorp Genetics (formerly Invitae), Labcorp
Classification: Uncertain significance for Parkinsonism-dystonia, infantile. Last evaluated: 2025-10-02. Review status: criteria provided, single submitter. Criteria: Invitae Variant Classification Sherloc (09022015). Collection method: clinical testing. Allele origin: germline.
Comment: This sequence change replaces glycine, which is neutral and non-polar, with arginine, which is basic and polar, at codon 209 of the SLC6A3 protein (p.Gly209Arg). This variant is present in population databases (rs372788698, gnomAD 0.007%). This variant has not been reported in the literature in individuals affected with SLC6A3-related conditions. ClinVar contains an entry for this variant (Variation ID: 1056961). An algorithm developed to predict the effect of missense changes on protein structure and function outputs the following: PolyPhen-2: "Benign". The arginine amino acid residue is found in multiple mammalian species, which suggests that this missense change does not adversely affect protein function. In summary, the available evidence is currently insufficient to determine the role of this variant in disease. Therefore, it has been classified as a Variant of Uncertain Significance.